The following is an entry in ClinVar:

ClinVar aggregate classification (germline): Uncertain significance. Review status: criteria provided, multiple submitters, no conflicts (2 of 4 stars). 3 submissions from 3 submitters: Uncertain significance (3). Last evaluated 2025-05-04.

Conditions:
Hereditary nonpolyposis colorectal neoplasms. Identifiers: MedGen C0009405, MeSH D003123.
Hereditary cancer-predisposing syndrome. Also called: Hereditary neoplastic syndrome; Tumor predisposition; Hereditary Cancer Syndrome; Neoplastic Syndromes, Hereditary. Identifiers: Orphanet 140162, MedGen C0027672, MeSH D009386, MONDO:0015356.

Submissions (3):

Labcorp Genetics (formerly Invitae), Labcorp
Classification: Uncertain significance for Hereditary nonpolyposis colorectal neoplasms. Last evaluated: 2025-05-04. Review status: criteria provided, single submitter. Criteria: Invitae Variant Classification Sherloc (09022015). Collection method: clinical testing. Allele origin: germline.
Comment: This sequence change replaces tyrosine, which is neutral and polar, with asparagine, which is neutral and polar, at codon 1256 of the MSH6 protein (p.Tyr1256Asn). This variant is not present in population databases (gnomAD no frequency). This variant has not been reported in the literature in individuals affected with MSH6-related conditions. ClinVar contains an entry for this variant (Variation ID: 491959). Invitae Evidence Modeling of protein sequence and biophysical properties (such as structural, functional, and spatial information, amino acid conservation, physicochemical variation, residue mobility, and thermodynamic stability) has been performed for this missense variant. However, the output from this modeling did not meet the statistical confidence thresholds required to predict the impact of this variant on MSH6 protein function. In summary, the available evidence is currently insufficient to determine the role of this variant in disease. Therefore, it has been classified as a Variant of Uncertain Significance.

Color Diagnostics, LLC DBA Color Health
Classification: Uncertain significance for Hereditary cancer-predisposing syndrome. Last evaluated: 2023-12-05. Review status: criteria provided, single submitter. Criteria: ACMG Guidelines, 2015. Collection method: clinical testing. Allele origin: germline.
Comment: This missense variant replaces tyrosine with asparagine at codon 1256 of the MSH6 protein. Computational prediction is inconclusive regarding the impact of this variant on protein structure and function (internally defined REVEL score threshold 0.5 < inconclusive < 0.7, PMID: 27666373). To our knowledge, functional studies have not been reported for this variant. This variant has not been reported in individuals affected with MSH6-related disorders in the literature. This variant has not been identified in the general population by the Genome Aggregation Database (gnomAD). The available evidence is insufficient to determine the role of this variant in disease conclusively. Therefore, this variant is classified as a Variant of Uncertain Significance.

Ambry Genetics
Classification: Uncertain significance for Hereditary cancer-predisposing syndrome. Last evaluated: 2023-06-26. Review status: criteria provided, single submitter. Criteria: Ambry Variant Classification Scheme 2023. Collection method: clinical testing. Allele origin: germline.
Comment: The p.Y1256N variant (also known as c.3766T>A), located in coding exon 8 of the MSH6 gene, results from a T to A substitution at nucleotide position 3766. The tyrosine at codon 1256 is replaced by asparagine, an amino acid with dissimilar properties. This amino acid position is well conserved in available vertebrate species. In addition, this alteration is predicted to be deleterious by in silico analysis. Since supporting evidence is limited at this time, the clinical significance of this alteration remains unclear.

NM_000179.3(MSH6):c.3766T>A (p.Tyr1256Asn)

Gene: MSH6 (mutS homolog 6; plus strand). Cytogenetic location: 2p16.3.
Variant type: single nucleotide variant.
Coding change: c.3766T>A on transcript NM_000179.3 (MANE Select); coding-DNA position 3766, T replaced by A.
Protein change: p.Tyr1256Asn; replaces tyrosine 1256 with asparagine.
Molecular consequence: missense variant.
Genome position (GRCh38, 1-based): chr2:47,806,323, T>A. VCF-style: chr2-47806323-T-A. GRCh37 (hg19) VCF-style: chr2-48033462-T-A.
Other names: c.3376T>A, p.Tyr1126Asn (NM_001281492.2); c.2860T>A, p.Tyr954Asn (NM_001281493.2, NM_001281494.2); short protein forms Y1256N, Y1126N, Y954N.
Identifiers: ClinVar variation 491959 (VCV000491959.17), dbSNP rs1553333129, ClinGen allele CA346761115.